The following is an entry in ClinVar:

ClinVar aggregate classification (germline): Uncertain significance. Review status: criteria provided, multiple submitters, no conflicts (2 of 4 stars). 2 submissions from 2 submitters: Uncertain significance (2). Last evaluated 2026-10-23.

Conditions:
Actin accumulation myopathy (CMYO2A). Also called: CONGENITAL MYOPATHY 2A, TYPICAL, AUTOSOMAL DOMINANT; Nemaline myopathy type 3; Myopathy, actin, congenital, with excess of thin myofilaments; Myopathy, actin, congenital, with cores; Nemaline myopathy 3, with intranuclear rods. Identifiers: Orphanet 98904, MedGen C3711389, MONDO:0008070, OMIM 161800.

Submissions (2):

GeneDx
Classification: Uncertain significance. Last evaluated: 2026-10-23. Review status: criteria provided, single submitter. Criteria: GeneDx Variant Classification Process June 2021. Collection method: clinical testing. Allele origin: germline.
Comment: Not observed at significant frequency in large population cohorts (gnomAD); Missense variants in this gene are a common cause of disease and they are underrepresented in the general population; In silico analysis supports that this missense variant has a deleterious effect on protein structure/function; Has not been previously published as pathogenic or benign to our knowledge

Labcorp Genetics (formerly Invitae), Labcorp
Classification: Uncertain significance for Actin accumulation myopathy. Last evaluated: 2024-07-12. Review status: criteria provided, single submitter. Criteria: Invitae Variant Classification Sherloc (09022015). Collection method: clinical testing. Allele origin: germline.
Comment: This sequence change replaces methionine, which is neutral and non-polar, with threonine, which is neutral and polar, at codon 192 of the ACTA1 protein (p.Met192Thr). This variant is not present in population databases (gnomAD no frequency). This variant has not been reported in the literature in individuals affected with ACTA1-related conditions. ClinVar contains an entry for this variant (Variation ID: 389122). Advanced modeling of protein sequence and biophysical properties (such as structural, functional, and spatial information, amino acid conservation, physicochemical variation, residue mobility, and thermodynamic stability) performed at Invitae indicates that this missense variant is not expected to disrupt ACTA1 protein function with a negative predictive value of 80%. In summary, the available evidence is currently insufficient to determine the role of this variant in disease. Therefore, it has been classified as a Variant of Uncertain Significance.

NM_001100.4(ACTA1):c.575T>C (p.Met192Thr)

Gene: ACTA1 (actin alpha 1, skeletal muscle; minus strand). Cytogenetic location: 1q42.13.
Variant type: single nucleotide variant.
Coding change: c.575T>C on transcript NM_001100.4 (MANE Select); coding-DNA position 575, T replaced by C.
Protein change: p.Met192Thr; replaces methionine 192 with threonine.
Molecular consequence: missense variant.
Genome position (GRCh38, 1-based): chr1:229,432,311, A>G on the plus strand (T>C on the coding strand, the complement: ACTA1 is on the minus strand). VCF-style: chr1-229432311-A-G. GRCh37 (hg19) VCF-style: chr1-229568058-A-G.
Other names: short protein forms M192T.
Identifiers: ClinVar variation 389122 (VCV000389122.6), dbSNP rs1057523333, ClinGen allele CA16603576.